The following is an entry in ClinVar:

NM_000310.4(PPT1):c.628G>A (p.Gly210Ser)

Gene: PPT1 (palmitoyl-protein thioesterase 1; minus strand). Cytogenetic location: 1p34.2.
Variant type: single nucleotide variant.
Coding change: c.628G>A on transcript NM_000310.4 (MANE Select); coding-DNA position 628, G replaced by A.
Protein change: p.Gly210Ser; replaces glycine 210 with serine.
Molecular consequence: missense variant.
Genome position (GRCh38, 1-based): chr1:40,078,658, C>T on the plus strand (G>A on the coding strand, the complement: PPT1 is on the minus strand). VCF-style: chr1-40078658-C-T. GRCh37 (hg19) VCF-style: chr1-40544330-C-T.
Other names: c.319G>A, p.Gly107Ser (NM_001142604.2); c.628G>A, p.Gly210Ser (NM_001363695.2); short protein forms G107S, G210S.
Identifiers: ClinVar variation 1487043 (VCV001487043.3), dbSNP rs200434104, ClinGen allele CA789600.

ClinVar aggregate classification (germline): Uncertain significance (1 of 4 stars; one submission).

Conditions:
Neuronal ceroid lipofuscinosis 1 (CLN1). Also called: CEROID LIPOFUSCINOSIS, NEURONAL, 1, VARIABLE AGE AT ONSET; PPT1-Related Neuronal Ceroid-Lipofuscinosis. Identifiers: Orphanet 228329, MedGen C1850451, MONDO:0009744, OMIM 256730.

gnomAD v4.1: 13 of 1,612,572 alleles (0.00081%); highest among the groups gnomAD compares: Non-Finnish European, 0.0011%; no homozygotes.

Submission:

Labcorp Genetics (formerly Invitae), Labcorp
Classification: Uncertain significance for Neuronal ceroid lipofuscinosis 1. Last evaluated: 2022-07-05. Review status: criteria provided, single submitter. Criteria: Invitae Variant Classification Sherloc (09022015). Collection method: clinical testing. Allele origin: germline.
Comment: This sequence change replaces glycine, which is neutral and non-polar, with serine, which is neutral and polar, at codon 210 of the PPT1 protein (p.Gly210Ser). This variant is present in population databases (rs200434104, gnomAD 0.008%). This variant has not been reported in the literature in individuals affected with PPT1-related conditions. ClinVar contains an entry for this variant (Variation ID: 1487043). Algorithms developed to predict the effect of missense changes on protein structure and function output the following: SIFT: "Tolerated"; PolyPhen-2: "Benign"; Align-GVGD: "Class C0". The serine amino acid residue is found in multiple mammalian species, which suggests that this missense change does not adversely affect protein function. In summary, the available evidence is currently insufficient to determine the role of this variant in disease. Therefore, it has been classified as a Variant of Uncertain Significance.